The following is an entry in ClinVar:

NM_001166114.2(PNPLA6):c.2466C>T (p.Ser822=)

Gene: PNPLA6 (patatin like domain 6, lysophospholipase; plus strand). Cytogenetic location: 19p13.2.
Variant type: single nucleotide variant.
Coding change: c.2466C>T on transcript NM_001166114.2 (MANE Select); coding-DNA position 2466, C replaced by T.
Protein change: p.Ser822=; no amino-acid change (serine 822 retained).
Molecular consequence: synonymous variant.
Genome position (GRCh38, 1-based): chr19:7,554,555, C>T. VCF-style: chr19-7554555-C-T. GRCh37 (hg19) VCF-style: chr19-7619441-C-T.
Other names: c.2496C>T, p.Ser832= (NM_001166111.2); c.2271C>T, p.Ser757= (NM_001166112.2); c.2352C>T, p.Ser784= (NM_001166113.1, NM_006702.5).
Identifiers: ClinVar variation 940714 (VCV000940714.6), dbSNP rs780346245, ClinGen allele CA9140133.

ClinVar aggregate classification (germline): Conflicting classifications of pathogenicity. Review status: criteria provided, conflicting classifications (1 of 4 stars). 2 submissions from 2 submitters: Uncertain significance (1); Likely benign (1). Last evaluated 2024-07-31.

Conditions:
Inborn genetic diseases. Identifiers: MedGen C0950123, MeSH D030342.
Hereditary spastic paraplegia 39 (SPG39). Also called: SPASTIC PARAPLEGIA 39, AUTOSOMAL RECESSIVE; Spastic Paraplegia Type 39 (SPG39). Identifiers: Orphanet 139480, MedGen C2677586, MONDO:0012787, OMIM 612020.

Allele frequency attached by ClinVar (database versions not stated): gnomAD 0.00001; gnomAD exomes 0.00002 and 0.00008; TOPMed 0.00002; ExAC 0.00008.
gnomAD v4.1: 32 of 1,614,028 alleles (0.002%); highest among the groups gnomAD compares: Admixed American, 0.033%; no homozygotes.

Submissions (2):

Ambry Genetics
Classification: Likely benign for Inborn genetic diseases. Last evaluated: 2024-07-31. Review status: criteria provided, single submitter. Criteria: Ambry Variant Classification Scheme 2023. Collection method: clinical testing. Allele origin: germline.

Labcorp Genetics (formerly Invitae), Labcorp
Classification: Uncertain significance for Hereditary spastic paraplegia 39. Last evaluated: 2022-11-01. Review status: criteria provided, single submitter. Criteria: Invitae Variant Classification Sherloc (09022015). Collection method: clinical testing. Allele origin: germline.
Comment: This sequence change affects codon 784 of the PNPLA6 mRNA. It is a 'silent' change, meaning that it does not change the encoded amino acid sequence of the PNPLA6 protein. It affects a nucleotide within the consensus splice site. This variant is present in population databases (rs780346245, gnomAD 0.05%). This variant has not been reported in the literature in individuals affected with PNPLA6-related conditions. ClinVar contains an entry for this variant (Variation ID: 940714). Algorithms developed to predict the effect of sequence changes on RNA splicing suggest that this variant is not likely to affect RNA splicing. In summary, the available evidence is currently insufficient to determine the role of this variant in disease. Therefore, it has been classified as a Variant of Uncertain Significance.